The following is an entry in ClinVar:

ClinVar aggregate classification (germline): Likely benign (0 of 4 stars; one submission).

Conditions:
CDK10-related disorder. Also called: CDK10-related condition.

Allele frequency attached by ClinVar (database versions not stated): ExAC 0.00041; ESP Exome Variant Server 0.00077; 1000 Genomes Project 30x 0.00094; 1000 Genomes Project 0.00100.
gnomAD v4.1: 281 of 1,577,322 alleles (0.018%); highest among the groups gnomAD compares: African/African-American, 0.22%; no homozygotes.

Submission:

PreventionGenetics, part of Exact Sciences
Classification: Likely benign for CDK10-related condition. Last evaluated: 2019-04-10. Review status: no assertion criteria provided. Collection method: clinical testing. Allele origin: germline.
Comment: This variant is classified as likely benign based on ACMG/AMP sequence variant interpretation guidelines (Richards et al. 2015 PMID: 25741868, with internal and published modifications).

NM_052988.5(CDK10):c.*90G>A

Gene: CDK10 (cyclin dependent kinase 10; plus strand). Cytogenetic location: 16q24.3.
Variant type: single nucleotide variant.
Coding change: c.*90G>A on transcript NM_052988.5 (MANE Select); 90 bases downstream of the stop codon, G replaced by A.
Molecular consequence: 3 prime UTR variant. On other transcripts: non-coding transcript variant (2).
Genome position (GRCh38, 1-based): chr16:89,695,782, G>A. VCF-style: chr16-89695782-G-A. GRCh37 (hg19) VCF-style: chr16-89762190-G-A.
Other names: c.*90G>A (NM_001098533.3, NM_001160367.2); c.*7G>A (NM_052987.4).
Identifiers: ClinVar variation 3033161 (VCV003033161.2), dbSNP rs372178353, ClinGen allele CA8248362.